The following is an entry in ClinVar:

ClinVar aggregate classification (germline): Uncertain significance. Review status: criteria provided, multiple submitters, no conflicts (2 of 4 stars). 3 submissions from 3 submitters: Uncertain significance (2). 1 of the submissions does not count toward it. Last evaluated 2023-08-20.

Conditions:
Hereditary cancer-predisposing syndrome. Also called: Neoplastic Syndromes, Hereditary; Tumor predisposition; Hereditary Cancer Syndrome; Hereditary neoplastic syndrome. Identifiers: Orphanet 140162, MedGen C0027672, MeSH D009386, MONDO:0015356.
Microcephaly, normal intelligence and immunodeficiency (NBS). Also called: Nijmegen breakage syndrome; Immunodeficiency, microcephaly with normal intelligence; SEEMANOVA SYNDROME II; Microcephaly with normal intelligence immunodeficiency and lymphoreticular malignancies; Nonsyndromal microcephaly autosomal recessive with normal intelligence; Seemanova syndrome 2. Identifiers: Orphanet 647, MedGen C0398791, MONDO:0009623, OMIM 251260.

Allele frequency attached by ClinVar (database versions not stated): gnomAD exomes below 0.00001.
gnomAD v4.1: 1 of 1,613,220 alleles (0.000062%); highest among the groups gnomAD compares: East Asian, 0.0022%; no homozygotes.

Submissions (3):

Ambry Genetics
Classification: Uncertain significance for Hereditary cancer-predisposing syndrome. Last evaluated: 2023-08-20. Review status: criteria provided, single submitter. Criteria: Ambry Variant Classification Scheme 2023. Collection method: clinical testing. Allele origin: germline.
Comment: The p.S462F variant (also known as c.1385C>T), located in coding exon 10 of the NBN gene, results from a C to T substitution at nucleotide position 1385. The serine at codon 462 is replaced by phenylalanine, an amino acid with highly dissimilar properties. This amino acid position is not well conserved in available vertebrate species. In addition, this alteration is predicted to be tolerated by in silico analysis. Since supporting evidence is limited at this time, the clinical significance of this alteration remains unclear.

Labcorp Genetics (formerly Invitae), Labcorp
Classification: Uncertain significance for Microcephaly, normal intelligence and immunodeficiency. Last evaluated: 2021-08-27. Review status: criteria provided, single submitter. Criteria: Invitae Variant Classification Sherloc (09022015). Collection method: clinical testing. Allele origin: germline.
Comment: This sequence change replaces serine with phenylalanine at codon 462 of the NBN protein (p.Ser462Phe). The serine residue is weakly conserved and there is a large physicochemical difference between serine and phenylalanine. This variant is not present in population databases (ExAC no frequency). This variant has not been reported in the literature in individuals affected with NBN-related conditions. Algorithms developed to predict the effect of missense changes on protein structure and function (SIFT, PolyPhen-2, Align-GVGD) all suggest that this variant is likely to be tolerated. In summary, the available evidence is currently insufficient to determine the role of this variant in disease. Therefore, it has been classified as a Variant of Uncertain Significance.

Natera, Inc.
Classification: Uncertain significance for Nijmegen breakage syndrome. Last evaluated: 2020-09-16. Review status: no assertion criteria provided. Collection method: clinical testing. Allele origin: germline. Not counted in ClinVar's aggregate classification.

NM_002485.5(NBN):c.1385C>T (p.Ser462Phe)

Gene: NBN (nibrin; minus strand). Cytogenetic location: 8q21.3.
Variant type: single nucleotide variant.
Coding change: c.1385C>T on transcript NM_002485.5 (MANE Select); coding-DNA position 1385, C replaced by T.
Protein change: p.Ser462Phe; replaces serine 462 with phenylalanine.
Molecular consequence: missense variant.
Genome position (GRCh38, 1-based): chr8:89,955,295, G>A on the plus strand (C>T on the coding strand, the complement: NBN is on the minus strand). VCF-style: chr8-89955295-G-A. GRCh37 (hg19) VCF-style: chr8-90967523-G-A.
Other names: c.1139C>T, p.Ser380Phe (NM_001024688.3); short protein forms S462F, S380F.
Identifiers: ClinVar variation 565605 (VCV000565605.10), dbSNP rs1563530730, ClinGen allele CA371655972.